The following is an entry in ClinVar:

NM_030912.3(TRIM8):c.94C>G (p.His32Asp)

Gene: TRIM8 (tripartite motif containing 8; plus strand). Cytogenetic location: 10q24.32.
Variant type: single nucleotide variant.
Coding change: c.94C>G on transcript NM_030912.3 (MANE Select); coding-DNA position 94, C replaced by G.
Protein change: p.His32Asp; replaces histidine 32 with aspartic acid.
Molecular consequence: missense variant. On other transcripts: non-coding transcript variant (1).
Genome position (GRCh38, 1-based): chr10:102,644,711, C>G. VCF-style: chr10-102644711-C-G. GRCh37 (hg19) VCF-style: chr10-104404468-C-G.
Other names: c.94C>G, p.His32Asp (NM_001345950.1); short protein forms H32D.
Identifiers: ClinVar variation 1933748 (VCV001933748.5), dbSNP rs1386602393, ClinGen allele CA377924259.
Genomic context (GRCh38, chr10:102,644,711, plus strand): 5'-GAGCTCATCTGCCCTATCTGCCTGCACGTTTTCGTGGAGCCAGTGCAGCTGCCGTGCAAA[C>G]ACAACTTCTGCCGGGGCTGCATCGGCGAGGCGTGGGCCAAGGACAGCGGCCTCGTACGCT-3'
Protein context (NP_112174.2, residues 22-42): FVEPVQLPCK[His32Asp]NFCRGCIGEA

ClinVar aggregate classification (germline): Uncertain significance (1 of 4 stars; one submission).

Allele frequency attached by ClinVar (database versions not stated): TOPMed below 0.00001; gnomAD 0.00001.
gnomAD v4.1: 1 of 1,613,494 alleles (0.000062%); highest among the groups gnomAD compares: Non-Finnish European, 0.000085%; no homozygotes.

Submission:

Labcorp Genetics (formerly Invitae), Labcorp
Classification: Uncertain significance. Last evaluated: 2025-08-21. Review status: criteria provided, single submitter. Criteria: Invitae Variant Classification Sherloc (09022015). Collection method: clinical testing. Allele origin: germline.
Comment: This sequence change replaces histidine, which is basic and polar, with aspartic acid, which is acidic and polar, at codon 32 of the TRIM8 protein (p.His32Asp). This variant is not present in population databases (gnomAD no frequency). This variant has not been reported in the literature in individuals affected with TRIM8-related conditions. ClinVar contains an entry for this variant (Variation ID: 1933748). An algorithm developed to predict the effect of missense changes on protein structure and function (PolyPhen-2) suggests that this variant is likely to be disruptive. In summary, the available evidence is currently insufficient to determine the role of this variant in disease. Therefore, it has been classified as a Variant of Uncertain Significance.